The following is an entry in ClinVar:

ClinVar aggregate classification (germline): Conflicting classifications of pathogenicity. Review status: criteria provided, conflicting classifications (1 of 4 stars). 2 submissions from 2 submitters: Uncertain significance (1); Likely benign (1). Last evaluated 2025-11-23.

Conditions:
Ehlers-Danlos syndrome, classic type, 1 (EDSCL1). Also called: EHLERS-DANLOS SYNDROME, GRAVIS TYPE; EHLERS-DANLOS SYNDROME, SEVERE CLASSIC TYPE; Ehlers-Danlos syndrome, type 1; Ehlers-Danlos Syndrome, Classic Type, COL5A1-Related; EDS I. Identifiers: MedGen C0268335, MONDO:0019567, OMIM 130000.
Familial thoracic aortic aneurysm and aortic dissection (TAAD). Also called: Thoracic aortic aneurysms and dissections. Identifiers: Orphanet 91387, MedGen C4707243, MONDO:0019625.

gnomAD v4.1: 5 of 1,613,524 alleles (0.00031%); highest among the groups gnomAD compares: African/African-American, 0.0027%; no homozygotes.

Submissions (2):

Labcorp Genetics (formerly Invitae), Labcorp
Classification: Likely benign for Ehlers-Danlos syndrome, classic type, 1. Last evaluated: 2025-11-23. Review status: criteria provided, single submitter. Criteria: Invitae Variant Classification Sherloc (09022015). Collection method: clinical testing. Allele origin: germline.

Ambry Genetics
Classification: Uncertain significance for Familial thoracic aortic aneurysm and aortic dissection. Last evaluated: 2025-05-08. Review status: criteria provided, single submitter. Criteria: Ambry Variant Classification Scheme 2023. Collection method: clinical testing. Allele origin: germline.
Comment: The p.N1329K variant (also known as c.3987C>A), located in coding exon 52 of the COL5A2 gene, results from a C to A substitution at nucleotide position 3987. The asparagine at codon 1329 is replaced by lysine, an amino acid with similar properties. This amino acid position is highly conserved in available vertebrate species. In addition, this alteration is predicted to be tolerated by in silico analysis. Based on the available evidence, the clinical significance of this variant remains unclear.

NM_000393.5(COL5A2):c.3987C>A (p.Asn1329Lys)

Gene: COL5A2 (collagen type V alpha 2 chain; minus strand). Cytogenetic location: 2q32.2.
Variant type: single nucleotide variant.
Coding change: c.3987C>A on transcript NM_000393.5 (MANE Select); coding-DNA position 3987, C replaced by A.
Protein change: p.Asn1329Lys; replaces asparagine 1329 with lysine.
Molecular consequence: missense variant.
Genome position (GRCh38, 1-based): chr2:189,036,742, G>T on the plus strand (C>A on the coding strand, the complement: COL5A2 is on the minus strand). VCF-style: chr2-189036742-G-T. GRCh37 (hg19) VCF-style: chr2-189901468-G-T.
Other names: short protein forms N1329K.
Identifiers: ClinVar variation 4005451 (VCV004005451.2).